The following is an entry in ClinVar:

ClinVar aggregate classification (germline): Uncertain significance. Review status: criteria provided, multiple submitters, no conflicts (2 of 4 stars). 3 submissions from 3 submitters: Uncertain significance (3). Last evaluated 2021-08-31.

Conditions:
Jeune thoracic dystrophy. Also called: Jeune syndrome; Infantile thoracic dystrophy; Thoracic pelvic phalangeal dystrophy; Jeune's syndrome; Chondroectodermal dysplasia-like syndrome; Short-rib thoracic dysplasia. Identifiers: Orphanet 474, MedGen C0265275, MONDO:0018770.
Asphyxiating thoracic dystrophy 3. Also called: SHORT-RIB THORACIC DYSPLASIA 3 WITH OR WITHOUT POLYDACTYLY; POLYDACTYLY WITH NEONATAL CHONDRODYSTROPHY, TYPE I; SHORT-RIB THORACIC DYSPLASIA 3/6 WITH POLYDACTYLY, DIGENIC; Short rib polydactyly syndrome 2B; Saldino-Noonan Syndrome. Identifiers: Orphanet 474, Orphanet 93269, Orphanet 93270, Orphanet 93271, MedGen C0036069, MONDO:0013127, OMIM 613091.

Allele frequency attached by ClinVar (database versions not stated): gnomAD 0.00001; gnomAD exomes 0.00002; TOPMed 0.00003.
gnomAD v4.1: 21 of 1,607,180 alleles (0.0013%); highest among the groups gnomAD compares: Non-Finnish European, 0.0018%; no homozygotes.

Submissions (3):

Labcorp Genetics (formerly Invitae), Labcorp
Classification: Uncertain significance for Jeune thoracic dystrophy. Last evaluated: 2021-08-31. Review status: criteria provided, single submitter. Criteria: Invitae Variant Classification Sherloc (09022015). Collection method: clinical testing. Allele origin: germline.
Comment: This sequence change replaces glutamic acid with lysine at codon 3131 of the DYNC2H1 protein (p.Glu3131Lys). The glutamic acid residue is highly conserved and there is a small physicochemical difference between glutamic acid and lysine. This variant is not present in population databases (ExAC no frequency). This variant has not been reported in the literature in individuals affected with DYNC2H1-related conditions. Advanced modeling of protein sequence and biophysical properties (such as structural, functional, and spatial information, amino acid conservation, physicochemical variation, residue mobility, and thermodynamic stability) performed at Invitae indicates that this missense variant is not expected to disrupt DYNC2H1 protein function. In summary, the available evidence is currently insufficient to determine the role of this variant in disease. Therefore, it has been classified as a Variant of Uncertain Significance.

Department of Pathology and Laboratory Medicine, Sinai Health System
Classification: Uncertain significance for asphyxiating thoracic dystrophy 3. Last evaluated: 2021-07-30. Review status: criteria provided, single submitter. Criteria: ACMG Guidelines, 2015. Collection method: research. Allele origin: germline.

Illumina Laboratory Services, Illumina
Classification: Uncertain significance for Asphyxiating thoracic dystrophy 3. Last evaluated: 2018-01-13. Review status: criteria provided, single submitter. Criteria: ICSL Variant Classification Criteria 13 December 2019. Collection method: clinical testing. Allele origin: germline.

NM_001377.3(DYNC2H1):c.9391G>A (p.Glu3131Lys)

Gene: DYNC2H1 (dynein cytoplasmic 2 heavy chain 1; plus strand). Cytogenetic location: 11q22.3.
Variant type: single nucleotide variant.
Coding change: c.9391G>A on transcript NM_001377.3 (MANE Select); coding-DNA position 9391, G replaced by A.
Protein change: p.Glu3131Lys; replaces glutamic acid 3131 with lysine.
Molecular consequence: missense variant.
Genome position (GRCh38, 1-based): chr11:103,231,297, G>A. VCF-style: chr11-103231297-G-A. GRCh37 (hg19) VCF-style: chr11-103102026-G-A.
Other names: c.9391G>A, p.Glu3131Lys (NM_001080463.2); short protein forms E3131K.
Identifiers: ClinVar variation 877174 (VCV000877174.10), dbSNP rs983700534, ClinGen allele CA227407532.
Genomic context (GRCh38, chr11:103,231,297, plus strand): 5'-TATAATATTGAGTTATATTTTAGGAATCTGAAGAAAACTGAAGACAGAAAAAGGAAACTA[G>A]AGGAGCTTCTTAATTCTGTTGGTCAAAAGGTATCAGAACTCAAAGAAAAGTAAGTTATAT-3'
Protein context (NP_001368.2, residues 3121-3141): KKTEDRKRKL[Glu3131Lys]ELLNSVGQKV